The following is an entry in ClinVar:

ClinVar aggregate classification (germline): Uncertain significance (1 of 4 stars; one submission).

Conditions:
Hereditary nonpolyposis colorectal neoplasms. Identifiers: MedGen C0009405, MeSH D003123.

Submission:

Labcorp Genetics (formerly Invitae), Labcorp
Classification: Uncertain significance for Hereditary nonpolyposis colorectal neoplasms. Last evaluated: 2023-10-12. Review status: criteria provided, single submitter. Criteria: Invitae Variant Classification Sherloc (09022015). Collection method: clinical testing. Allele origin: germline.
Comment: This variant, c.187_192del, results in the deletion of 2 amino acid(s) of the PMS2 protein (p.Val63_Asp64del), but otherwise preserves the integrity of the reading frame. This variant is not present in population databases (gnomAD no frequency). This variant has not been reported in the literature in individuals affected with PMS2-related conditions. Experimental studies and prediction algorithms are not available or were not evaluated, and the functional significance of this variant is currently unknown. In summary, the available evidence is currently insufficient to determine the role of this variant in disease. Therefore, it has been classified as a Variant of Uncertain Significance.

NM_000535.7(PMS2):c.187_192del (p.Val63_Asp64del)

Gene: PMS2 (PMS1 homolog 2, mismatch repair system component; minus strand). Cytogenetic location: 7p22.1.
Variant type: Deletion.
Coding change: c.187_192del on transcript NM_000535.7 (MANE Select); coding-DNA positions 187 to 192, 6 bases deleted (GTGGAT; older notation c.187_192delGTGGAT).
Protein change: p.Val63_Asp64del.
Molecular consequence: inframe deletion. On other transcripts: 5 prime UTR variant (44), non-coding transcript variant (1), intron variant (1).
Genome position (GRCh38, 1-based): chr7:6,004,030-6,004,035, ATCCAC deleted on the plus strand (GTGGAT on the coding strand, the reverse complement: PMS2 is on the minus strand). VCF-style (leftmost placement, unchanged base first): chr7-6004029-GATCCAC-G. GRCh37 (hg19) VCF-style: chr7-6043660-GATCCAC-G.
Other names: c.-298_-293del (NM_001406882.1, NM_001322015.2, NM_001406875.1 and 3 more transcripts); c.-29_-24del (NM_001406883.1, NM_001406901.1, NM_001406902.1 and 4 more transcripts); c.187_192del, p.Val63_Asp64del (NM_001406884.1, NM_001406885.1, NM_001406886.1 and 10 more transcripts); c.-219_-214del (NM_001406887.1, NM_001406891.1, NM_001406893.1 and 13 more transcripts); c.-166_-161del (NM_001406888.1, NM_001406889.1, NM_001406892.1 and 6 more transcripts); c.-209_-204del (NM_001406890.1); c.-195_-190del (NM_001406900.1, NM_001406881.1); c.-219_-214delGTGGAT (NM_001018040.1); and 4 more.
Identifiers: ClinVar variation 2764939 (VCV002764939.3), dbSNP rs2536516379, ClinGen allele CA2697557092.